The following is an entry in ClinVar:

ClinVar aggregate classification (germline): Uncertain significance. Review status: criteria provided, multiple submitters, no conflicts (2 of 4 stars). 2 submissions from 2 submitters: Uncertain significance (2). Last evaluated 2025-06-11.

Conditions:
Inborn genetic diseases. Identifiers: MedGen C0950123, MeSH D030342.

Allele frequency attached by ClinVar (database versions not stated): TOPMed below 0.00001; ExAC 0.00022; gnomAD 0.00001; gnomAD exomes 0.00001.
gnomAD v4.1: 12 of 1,547,134 alleles (0.00078%); highest among the groups gnomAD compares: Admixed American, 0.0019%; no homozygotes.

Submissions (2):

Labcorp Genetics (formerly Invitae), Labcorp
Classification: Uncertain significance. Last evaluated: 2025-06-11. Review status: criteria provided, single submitter. Criteria: Invitae Variant Classification Sherloc (09022015). Collection method: clinical testing. Allele origin: germline.
Comment: This sequence change replaces alanine, which is neutral and non-polar, with threonine, which is neutral and polar, at codon 103 of the NEFH protein (p.Ala103Thr). This variant is present in population databases (rs750343253, gnomAD 0.004%). This variant has not been reported in the literature in individuals affected with NEFH-related conditions. ClinVar contains an entry for this variant (Variation ID: 2601327). Invitae Evidence Modeling of protein sequence and biophysical properties (such as structural, functional, and spatial information, amino acid conservation, physicochemical variation, residue mobility, and thermodynamic stability) indicates that this missense variant is not expected to disrupt NEFH protein function with a negative predictive value of 95%. In summary, the available evidence is currently insufficient to determine the role of this variant in disease. Therefore, it has been classified as a Variant of Uncertain Significance.

Ambry Genetics
Classification: Uncertain significance for Inborn genetic diseases. Last evaluated: 2023-08-04. Review status: criteria provided, single submitter. Criteria: Ambry Variant Classification Scheme 2023. Collection method: clinical testing. Allele origin: germline.
Comment: The c.307G>A (p.A103T) alteration is located in exon 1 (coding exon 1) of the NEFH gene. This alteration results from a G to A substitution at nucleotide position 307, causing the alanine (A) at amino acid position 103 to be replaced by a threonine (T). The alteration is ultra rare in population databases:_x000D_ _x000D_ Based on data from the Genome Aggregation Database (gnomAD), the NEFH c.307G>A alteration was observed in 0.002% (3/148,108) of total alleles studied. The altered amino acid is not conserved throughout evolution:_x000D_ _x000D_ The p.A103 amino acid is not conserved in available vertebrate species, and threonine is the reference amino acid in some species. The alteration is predicted benign by in silico models:_x000D_ _x000D_ The p.A103T alteration is predicted to be benign by Polyphen and tolerated by SIFT in silico analyses. Based on insufficient or conflicting evidence, the clinical significance of this alteration remains unclear.

NM_021076.4(NEFH):c.307G>A (p.Ala103Thr)

Gene: NEFH (neurofilament heavy chain; plus strand). Cytogenetic location: 22q12.2.
Variant type: single nucleotide variant.
Coding change: c.307G>A on transcript NM_021076.4 (MANE Select); coding-DNA position 307, G replaced by A.
Protein change: p.Ala103Thr; replaces alanine 103 with threonine.
Molecular consequence: missense variant.
Genome position (GRCh38, 1-based): chr22:29,480,569, G>A. VCF-style: chr22-29480569-G-A. GRCh37 (hg19) VCF-style: chr22-29876558-G-A.
Other names: short protein forms A103T.
Identifiers: ClinVar variation 2601327 (VCV002601327.3), dbSNP rs750343253, ClinGen allele CA10173987.